The following is an entry in ClinVar:

NM_212482.4(FN1):c.1897C>T (p.Pro633Ser)

Gene: FN1 (fibronectin 1; minus strand). Cytogenetic location: 2q35.
Variant type: single nucleotide variant.
Coding change: c.1897C>T on transcript NM_212482.4 (MANE Select); coding-DNA position 1897, C replaced by T.
Protein change: p.Pro633Ser; replaces proline 633 with serine.
Molecular consequence: missense variant.
Genome position (GRCh38, 1-based): chr2:215,414,881, G>A on the plus strand (C>T on the coding strand, the complement: FN1 is on the minus strand). VCF-style: chr2-215414881-G-A. GRCh37 (hg19) VCF-style: chr2-216279604-G-A.
Other names: c.1897C>T, p.Pro633Ser (NM_001306129.2, NM_001306130.2, NM_001306131.2 and 14 more transcripts); short protein forms P633S.
Identifiers: ClinVar variation 2974126 (VCV002974126.3), dbSNP rs757611292, ClinGen allele CA350465441.
Genomic context (GRCh38, chr2:215,414,881, plus strand): 5'-TGGGTGGGATACTCACAGGTCTCCACCTGAGAATGTACTTGGAAATGTGAGATGGCTGTG[G>A]TGCATTCCACTGGATGGGGTGGGAGTTGGGCTGACTCGGAGTCTCAGTGATAAATACTTC-3'
Protein context (NP_997647.2, residues 623-643): PNSHPIQWNA[Pro633Ser]QPSHISKYIL

ClinVar aggregate classification (germline): Uncertain significance (1 of 4 stars; one submission).

Submission:

Labcorp Genetics (formerly Invitae), Labcorp
Classification: Uncertain significance. Last evaluated: 2024-10-29. Review status: criteria provided, single submitter. Criteria: Invitae Variant Classification Sherloc (09022015). Collection method: clinical testing. Allele origin: germline.
Comment: This sequence change replaces proline, which is neutral and non-polar, with serine, which is neutral and polar, at codon 633 of the FN1 protein (p.Pro633Ser). This variant is present in population databases (no rsID available, gnomAD 0.006%). This variant has not been reported in the literature in individuals affected with FN1-related conditions. An algorithm developed to predict the effect of missense changes on protein structure and function (PolyPhen-2) suggests that this variant is likely to be disruptive. In summary, the available evidence is currently insufficient to determine the role of this variant in disease. Therefore, it has been classified as a Variant of Uncertain Significance.